The following is an entry in ClinVar:

ClinVar aggregate classification (germline): Conflicting classifications of pathogenicity. Review status: criteria provided, conflicting classifications (1 of 4 stars). 5 submissions from 5 submitters: Uncertain significance (4); Likely benign (1). Last evaluated 2026-01-09.

Conditions:
MYPN-related myopathy (CMYO24). Also called: Nemaline myopathy 11, autosomal recessive. Identifiers: MedGen C4479186, MONDO:0015023, OMIM 617336.
Dilated cardiomyopathy 1KK (CMD1KK). Identifiers: Orphanet 154, Orphanet 75249, MedGen C3714995, MONDO:0014100, OMIM 615248.
Cardiovascular phenotype. Identifiers: MedGen CN230736.

Allele frequency attached by ClinVar (database versions not stated): ExAC 0.00007; gnomAD exomes 0.00007; ESP Exome Variant Server 0.00023; gnomAD 0.00025 and 0.00026; TOPMed 0.00028; 1000 Genomes Project 0.00060; 1000 Genomes Project 30x 0.00062.

Submissions (5):

GeneDx
Classification: Uncertain significance. Last evaluated: 2026-01-09. Review status: criteria provided, single submitter. Criteria: GeneDx Variant Classification Process June 2021. Collection method: clinical testing. Allele origin: germline. Affected: yes.
Comment: In silico analysis suggests that this missense variant does not alter protein structure/function; Identified in a patient with HCM who harbored a second variant in the MYPN gene; it is unknown whether these variants were present on the same (in cis) or opposite (in trans) alleles (PMID: 30847666); This variant is associated with the following publications: (PMID: 30847666)

Labcorp Genetics (formerly Invitae), Labcorp
Classification: Uncertain significance for Dilated cardiomyopathy 1KK. Last evaluated: 2025-10-24. Review status: criteria provided, single submitter. Criteria: Invitae Variant Classification Sherloc (09022015). Collection method: clinical testing. Allele origin: germline.
Comment: This sequence change replaces proline, which is neutral and non-polar, with leucine, which is neutral and non-polar, at codon 1273 of the MYPN protein (p.Pro1273Leu). This variant is present in population databases (rs148942084, gnomAD 0.08%). This variant has not been reported in the literature in individuals affected with MYPN-related conditions. ClinVar contains an entry for this variant (Variation ID: 544044). An algorithm developed to predict the effect of missense changes on protein structure and function (PolyPhen-2) suggests that this variant is likely to be tolerated. In summary, the available evidence is currently insufficient to determine the role of this variant in disease. Therefore, it has been classified as a Variant of Uncertain Significance.

Women's Health and Genetics/Laboratory Corporation of America, LabCorp
Classification: Uncertain significance. Last evaluated: 2025-06-20. Review status: criteria provided, single submitter. Criteria: LabCorp Variant Classification Summary - May 2015. Collection method: clinical testing. Allele origin: germline.

Ambry Genetics
Classification: Likely benign for Cardiovascular phenotype. Last evaluated: 2023-05-22. Review status: criteria provided, single submitter. Criteria: Ambry Variant Classification Scheme 2023. Collection method: clinical testing. Allele origin: germline.

Fulgent Genetics
Classification: Uncertain significance for Dilated cardiomyopathy 1KK; MYPN-related myopathy. Last evaluated: 2021-08-09. Review status: criteria provided, single submitter. Criteria: ACMG Guidelines, 2015. Collection method: clinical testing. Allele origin: unknown.

Literature cited by the submitters: PubMed 30847666 (cited by Ambry Genetics).

NM_032578.4(MYPN):c.3818C>T (p.Pro1273Leu)

Gene: MYPN (myopalladin; plus strand). Cytogenetic location: 10q21.3.
Variant type: single nucleotide variant.
Coding change: c.3818C>T on transcript NM_032578.4 (MANE Select); coding-DNA position 3818, C replaced by T.
Protein change: p.Pro1273Leu; replaces proline 1273 with leucine.
Molecular consequence: missense variant. On other transcripts: non-coding transcript variant (2).
Genome position (GRCh38, 1-based): chr10:68,210,310, C>T. VCF-style: chr10-68210310-C-T. GRCh37 (hg19) VCF-style: chr10-69970067-C-T.
Other names: c.3818C>T, p.Pro1273Leu (NM_001256267.2); c.2936C>T, p.Pro979Leu (NM_001256268.2); short protein forms P1273L, P979L.
Identifiers: ClinVar variation 544044 (VCV000544044.20), dbSNP rs148942084, ClinGen allele CA5523170.